The following is an entry in ClinVar:

ClinVar aggregate classification (germline): Uncertain significance (1 of 4 stars; one submission).

Submission:

Women's Health and Genetics/Laboratory Corporation of America, LabCorp
Classification: Uncertain significance. Last evaluated: 2024-09-03. Review status: criteria provided, single submitter. Criteria: LabCorp Variant Classification Summary - May 2015. Collection method: clinical testing. Allele origin: germline.
Comment: Variant summary: THRB c.809G>A (p.Ser270Asn) results in a conservative amino acid change located in the nuclear hormone receptor, ligand-binding domain (IPR000536) of the encoded protein sequence. Three of five in-silico tools predict a damaging effect of the variant on protein function. The variant was absent in 251364 control chromosomes (gnomAD). The available data on variant occurrences in the general population are insufficient to allow any conclusion about variant significance. To our knowledge, no occurrence of c.809G>A in individuals affected with Thyroid Hormone Resistance, Generalized, Autosomal Dominant and no experimental evidence demonstrating its impact on protein function have been reported. No submitters have cited clinical-significance assessments for this variant to ClinVar. Based on the evidence outlined above, the variant was classified as uncertain significance.

NM_001354712.2(THRB):c.809G>A (p.Ser270Asn)

Gene: THRB (thyroid hormone receptor beta; minus strand). Cytogenetic location: 3p24.2.
Variant type: single nucleotide variant.
Coding change: c.809G>A on transcript NM_001354712.2 (MANE Select); coding-DNA position 809, G replaced by A.
Protein change: p.Ser270Asn; replaces serine 270 with asparagine.
Molecular consequence: missense variant.
Genome position (GRCh38, 1-based): chr3:24,133,392, C>T on the plus strand (G>A on the coding strand, the complement: THRB is on the minus strand). VCF-style: chr3-24133392-C-T. GRCh37 (hg19) VCF-style: chr3-24174883-C-T.
Other names: c.809G>A, p.Ser270Asn (NM_000461.5, NM_001128176.3, NM_001128177.2 and 12 more transcripts); c.716G>A, p.Ser239Asn (NM_001354714.2, NM_001354715.2); short protein forms S239N, S270N.
Identifiers: ClinVar variation 3375124 (VCV003375124.1).